The following is an entry in ClinVar:

NM_000322.5(PRPH2):c.863C>A (p.Thr288Lys)

Gene: PRPH2 (peripherin 2; minus strand). Cytogenetic location: 6p21.1.
Variant type: single nucleotide variant.
Coding change: c.863C>A on transcript NM_000322.5 (MANE Select); coding-DNA position 863, C replaced by A.
Protein change: p.Thr288Lys; replaces threonine 288 with lysine.
Molecular consequence: missense variant.
Genome position (GRCh38, 1-based): chr6:42,698,473, G>T on the plus strand (C>A on the coding strand, the complement: PRPH2 is on the minus strand). VCF-style: chr6-42698473-G-T. GRCh37 (hg19) VCF-style: chr6-42666211-G-T.
Other names: short protein forms T288K.
Identifiers: ClinVar variation 1175275 (VCV001175275.1), dbSNP rs1016933713, ClinGen allele CA364133426.

ClinVar aggregate classification (germline): Uncertain significance (0 of 4 stars; one submission).

Submission:

Leiden Open Variation Database
Classification: Uncertain significance. Last evaluated: 2021-04-06. Review status: no assertion criteria provided. Collection method: curation. Allele origin: germline. Affected: yes.
Comment: Curator: Global Variome, with Curator vacancy. Submitter to LOVD: Manon Peeters.

Literature cited by the submitters: PubMed 26747767.